The following is an entry in ClinVar:

NM_001040716.2(PC):c.2278C>T (p.Arg760Trp)

Gene: PC (pyruvate carboxylase; minus strand). Cytogenetic location: 11q13.2.
Variant type: single nucleotide variant.
Coding change: c.2278C>T on transcript NM_001040716.2 (MANE Select); coding-DNA position 2278, C replaced by T.
Protein change: p.Arg760Trp; replaces arginine 760 with tryptophan.
Molecular consequence: missense variant.
Genome position (GRCh38, 1-based): chr11:66,850,869, G>A on the plus strand (C>T on the coding strand, the complement: PC is on the minus strand). VCF-style: chr11-66850869-G-A. GRCh37 (hg19) VCF-style: chr11-66618340-G-A.
Other names: c.2278C>T, p.Arg760Trp (NM_000920.4, NM_022172.3); short protein forms R760W.
Identifiers: ClinVar variation 1339496 (VCV001339496.3), dbSNP rs563526275, ClinGen allele CA6131104.

ClinVar aggregate classification (germline): Conflicting classifications of pathogenicity. Review status: criteria provided, conflicting classifications (1 of 4 stars). 2 submissions from 2 submitters: Likely pathogenic (1); Uncertain significance (1). Last evaluated 2024-04-29.

Conditions:
Pyruvate carboxylase deficiency. Also called: ATAXIA WITH LACTIC ACIDOSIS II; LEIGH NECROTIZING ENCEPHALOPATHY DUE TO PYRUVATE CARBOXYLASE DEFICIENCY; LEIGH SYNDROME DUE TO PYRUVATE CARBOXYLASE DEFICIENCY; PC DEFICIENCY; Pyruvate Carboxylase Deficiency Disease. Identifiers: Orphanet 3008, MedGen C0034341, MONDO:0009949, OMIM 266150.

Allele frequency attached by ClinVar (database versions not stated): gnomAD exomes below 0.00001; ExAC 0.00001; gnomAD 0.00001; TOPMed 0.00003; 1000 Genomes Project 0.00020; 1000 Genomes Project 30x 0.00031.
gnomAD v4.1: 2 of 1,611,380 alleles (0.00012%); highest among the groups gnomAD compares: South Asian, 0.0011%; no homozygotes.

Submissions (2):

Labcorp Genetics (formerly Invitae), Labcorp
Classification: Uncertain significance for Pyruvate carboxylase deficiency. Last evaluated: 2024-04-29. Review status: criteria provided, single submitter. Criteria: Invitae Variant Classification Sherloc (09022015). Collection method: clinical testing. Allele origin: germline.
Comment: This sequence change replaces arginine, which is basic and polar, with tryptophan, which is neutral and slightly polar, at codon 760 of the PC protein (p.Arg760Trp). This variant is present in population databases (rs563526275, gnomAD 0.0009%). This variant has not been reported in the literature in individuals affected with PC-related conditions. ClinVar contains an entry for this variant (Variation ID: 1339496). Advanced modeling of protein sequence and biophysical properties (such as structural, functional, and spatial information, amino acid conservation, physicochemical variation, residue mobility, and thermodynamic stability) has been performed at Invitae for this missense variant, however the output from this modeling did not meet the statistical confidence thresholds required to predict the impact of this variant on PC protein function. In summary, the available evidence is currently insufficient to determine the role of this variant in disease. Therefore, it has been classified as a Variant of Uncertain Significance.

Pathology and Clinical Laboratory Medicine, King Fahad Medical City
Classification: Likely pathogenic for Pyruvate carboxylase deficiency. Review status: criteria provided, single submitter. Criteria: ACMG Guidelines, 2015. Collection method: clinical testing. Allele origin: germline. Affected: yes. Observed: 3 variant alleles.